The following is an entry in ClinVar:

ClinVar aggregate classification (germline): Uncertain significance (1 of 4 stars; one submission).

gnomAD v4.1: 1 of 1,614,258 alleles (0.000062%); highest among the groups gnomAD compares: African/African-American, 0.0013%; no homozygotes.

Submission:

Labcorp Genetics (formerly Invitae), Labcorp
Classification: Uncertain significance. Last evaluated: 2025-05-04. Review status: criteria provided, single submitter. Criteria: Invitae Variant Classification Sherloc (09022015). Collection method: clinical testing. Allele origin: germline.
Comment: This sequence change replaces serine, which is neutral and polar, with glycine, which is neutral and non-polar, at codon 1009 of the ADNP protein (p.Ser1009Gly). This variant is not present in population databases (gnomAD no frequency). This variant has not been reported in the literature in individuals affected with ADNP-related conditions. An algorithm developed to predict the effect of missense changes on protein structure and function (PolyPhen-2) suggests that this variant is likely to be tolerated. Algorithms developed to predict the effect of sequence changes on RNA splicing suggest that this variant may create or strengthen a splice site. In summary, the available evidence is currently insufficient to determine the role of this variant in disease. Therefore, it has been classified as a Variant of Uncertain Significance.

NM_001282531.3(ADNP):c.3025A>G (p.Ser1009Gly)

Gene: ADNP (activity dependent neuroprotector homeobox; minus strand). Cytogenetic location: 20q13.13.
Variant type: single nucleotide variant.
Coding change: c.3025A>G on transcript NM_001282531.3 (MANE Select); coding-DNA position 3025, A replaced by G.
Protein change: p.Ser1009Gly; replaces serine 1009 with glycine.
Molecular consequence: missense variant.
Genome position (GRCh38, 1-based): chr20:50,891,689, T>C on the plus strand (A>G on the coding strand, the complement: ADNP is on the minus strand). VCF-style: chr20-50891689-T-C. GRCh37 (hg19) VCF-style: chr20-49508226-T-C.
Other names: c.3025A>G, p.Ser1009Gly (NM_001282532.2, NM_001347511.2, NM_015339.5 and 1 more transcripts); c.3241A>G, p.Ser1081Gly (NM_001439000.1); c.2341A>G, p.Ser781Gly (NM_001439001.1); short protein forms S1009G, S1081G, S781G.
Identifiers: ClinVar variation 4811414 (VCV004811414.1).